The following is an entry in ClinVar:

NM_000297.4(PKD2):c.1967T>G (p.Leu656Trp)

Gene: PKD2 (polycystin 2, transient receptor potential cation channel; plus strand). Cytogenetic location: 4q22.1.
Variant type: single nucleotide variant.
Coding change: c.1967T>G on transcript NM_000297.4 (MANE Select); coding-DNA position 1967, T replaced by G.
Protein change: p.Leu656Trp; replaces leucine 656 with tryptophan.
Molecular consequence: missense variant.
Genome position (GRCh38, 1-based): chr4:88,058,051, T>G. VCF-style: chr4-88058051-T-G. GRCh37 (hg19) VCF-style: chr4-88979203-T-G.
Other names: short protein forms L656W.
Identifiers: ClinVar variation 1494209 (VCV001494209.9), dbSNP rs138476749, ClinGen allele CA3004094.

ClinVar aggregate classification (germline): Uncertain significance. Review status: criteria provided, multiple submitters, no conflicts (2 of 4 stars). 2 submissions from 2 submitters: Uncertain significance (2). Last evaluated 2022-01-19.

Conditions:
Polycystic kidney disease 2 (PKD2). Also called: Polycystic Kidney Disease 2, Autosomal Dominant; POLYCYSTIC KIDNEY DISEASE, ADULT, TYPE II; POLYCYSTIC KIDNEY DISEASE 2 WITH OR WITHOUT POLYCYSTIC LIVER DISEASE. Identifiers: MedGen C2751306, MONDO:0013131, OMIM 613095.
Autosomal dominant polycystic kidney disease. Identifiers: Orphanet 730, MedGen C0085413, MONDO:0004691.

Allele frequency attached by ClinVar (database versions not stated): gnomAD exomes below 0.00001; ExAC 0.00001; ESP Exome Variant Server 0.00008.

Submissions (2):

Fulgent Genetics
Classification: Uncertain significance for Polycystic kidney disease 2. Last evaluated: 2022-01-19. Review status: criteria provided, single submitter. Criteria: ACMG Guidelines, 2015. Collection method: clinical testing. Allele origin: unknown.

Labcorp Genetics (formerly Invitae), Labcorp
Classification: Uncertain significance for Autosomal dominant polycystic kidney disease. Last evaluated: 2020-11-04. Review status: criteria provided, single submitter. Criteria: Invitae Variant Classification Sherloc (09022015). Collection method: clinical testing. Allele origin: germline.
Comment: This variant has been observed in individual(s) with clinical features of polycystic kidney disease (PMID: 22114106). This variant is present in population databases (rs138476749, ExAC 0.002%). This sequence change replaces leucine with tryptophan at codon 656 of the PKD2 protein (p.Leu656Trp). The leucine residue is highly conserved and there is a small physicochemical difference between leucine and tryptophan. Algorithms developed to predict the effect of missense changes on protein structure and function are either unavailable or do not agree on the potential impact of this missense change (SIFT: "Deleterious"; PolyPhen-2: "Probably Damaging"; Align-GVGD: "Class C15"). In summary, the available evidence is currently insufficient to determine the role of this variant in disease. Therefore, it has been classified as a Variant of Uncertain Significance.

Literature cited by the submitters: PubMed 22114106 (cited by Labcorp Genetics (formerly Invitae), Labcorp).